The following is an entry in ClinVar:

ClinVar aggregate classification (germline): Pathogenic (0 of 4 stars; one submission).

Conditions:
Mitochondrial complex I deficiency, nuclear type 28. Also called: Mitochondrial complex 1 deficiency, nuclear type 28. Identifiers: MedGen C4748827, MONDO:0032632, OMIM 618249.

Submissions (2):

OMIM
Classification: Pathogenic for MITOCHONDRIAL COMPLEX I DEFICIENCY, NUCLEAR TYPE 28. Last evaluated: 2024-07-16. Review status: no assertion criteria provided. Collection method: literature only. Allele origin: germline.

Mitochondrial Disorders Lab i+12, Hospital Universitario 12 de Octubre
No classification provided (evidence only). Condition: Leigh syndrome; Nystagmus; Lactic acidosis; Hypertrophic cardiomyopathy; Severe global developmental delay; Decreased activity of mitochondrial complex I. Last evaluated: 2020-06-09. Review status: no classification provided. Criteria: ACMG Guidelines, 2015. Collection method: research. Allele origin: not applicable. Inheritance: Autosomal recessive inheritance. Functional consequence: effect on protein abundance. Not counted in ClinVar's aggregate classification.
Comment: This is a novel recessive variant in the NDUFA13 gene, identidied in compound heterozygosity. The microdeletion c.194delT in exon 3 of NDUFA13 predicts a frameshift mutation leading to a premature termination codon at the 99-residue of the protein p.(Phe65Serfs*34), suggesting the synthesis of a truncated protein or alternatively a nonsense mRNA mediated decay event. Family segregation, absence in population databases, and functional evidences in patient's derived cultured cells suggest the variant is pathogenic .

"Pathogenic" was previously submitted as the classification for the variant. However, the classification appeared to be based only on an observation of functional data so it was converted to no classification on 2025-07-30.

Literature cited by the submitters: PubMed 32722639 (cited by OMIM).

NM_015965.7(NDUFA13):c.194del (p.Phe65fs)

Gene: NDUFA13 (NADH:ubiquinone oxidoreductase subunit A13; plus strand). Cytogenetic location: 19p13.11.
Variant type: Deletion.
Coding change: c.194del on transcript NM_015965.7 (MANE Select); coding-DNA position 194, one base deleted (T; older notation c.194delT).
Protein change: p.Phe65fs; shifts the reading frame from phenylalanine 65.
Molecular consequence: frameshift variant.
Genome position (GRCh38, 1-based): chr19:19,527,301, T deleted; the last of 2 consecutive T bases (chr19:19,527,300-19,527,301); deleting either gives the same sequence. VCF-style (leftmost placement, unchanged base first): chr19-19527299-CT-C. GRCh37 (hg19) VCF-style: chr19-19638108-CT-C.
Other names: 1-BP DEL, 194T; c.194delT (NM_015965.7); short protein forms F65fs.
Identifiers: ClinVar variation 983476 (VCV000983476.5), dbSNP rs2061105702, ClinGen allele CA1139532575.